The following is an entry in ClinVar:

NM_001378454.1(ALMS1):c.2354A>G (p.Glu785Gly)

Gene: ALMS1 (ALMS1 centrosome and basal body associated protein; plus strand). Cytogenetic location: 2p13.1.
Variant type: single nucleotide variant.
Coding change: c.2354A>G on transcript NM_001378454.1 (MANE Select); coding-DNA position 2354, A replaced by G.
Protein change: p.Glu785Gly; replaces glutamic acid 785 with glycine.
Molecular consequence: missense variant.
Genome position (GRCh38, 1-based): chr2:73,448,881, A>G. VCF-style: chr2-73448881-A-G. GRCh37 (hg19) VCF-style: chr2-73676008-A-G.
Other names: c.2357A>G, p.Glu786Gly (NM_015120.4); short protein forms E786G, E785G.
Identifiers: ClinVar variation 240988 (VCV000240988.30), dbSNP rs17848880, ClinGen allele CA1713331.
Genomic context (GRCh38, chr2:73,448,881, plus strand): 5'-CACAAAGAGAAAAGCCTAGTATTTTGTACCCACAGGACTTAGCAGACAGTCATCTACCTG[A>G]AGAGGGTCTGAAAGTTTCAGCTGTTGCTGGACCAGCTGACCAGAAGACTGGCCTACCAAC-3'
Protein context (NP_001365383.1, residues 775-795): PQDLADSHLP[Glu785Gly]EGLKVSAVAG

ClinVar aggregate classification (germline): Benign/Likely benign. Review status: criteria provided, multiple submitters, no conflicts (2 of 4 stars). 12 submissions from 12 submitters: Benign (6); Likely benign (2). 4 of the submissions do not count toward it. Last evaluated 2026-02-03.

Conditions:
Cardiovascular phenotype. Identifiers: MedGen CN230736.
Alstrom syndrome (ALMS). Identifiers: Orphanet 64, MedGen C0268425, MONDO:0008763, OMIM 203800.

Allele frequency attached by ClinVar (database versions not stated): ESP Exome Variant Server 0.00008; gnomAD 0.00077 and 0.00115; TOPMed 0.00145; ExAC 0.00231; gnomAD exomes 0.00237; 1000 Genomes Project 30x 0.00609; 1000 Genomes Project 0.00679.
gnomAD v4.1: 1,492 of 1,614,034 alleles (0.092%); highest among the groups gnomAD compares: East Asian, 3.1%; 31 homozygotes.

Submissions (12):

Labcorp Genetics (formerly Invitae), Labcorp
Classification: Benign for Alstrom syndrome. Last evaluated: 2026-02-03. Review status: criteria provided, single submitter. Criteria: Invitae Variant Classification Sherloc (09022015). Collection method: clinical testing. Allele origin: germline.

Women's Health and Genetics/Laboratory Corporation of America, LabCorp
Classification: Likely benign. Last evaluated: 2025-11-14. Review status: criteria provided, single submitter. Criteria: LabCorp Variant Classification Summary - May 2015. Collection method: clinical testing. Allele origin: germline.

Blueprint Genetics
Classification: Benign. Last evaluated: 2024-11-25. Review status: criteria provided, single submitter. Criteria: ACMG Guidelines, 2015. Collection method: clinical testing. Allele origin: germline.

Ambry Genetics
Classification: Benign for Cardiovascular phenotype. Last evaluated: 2019-04-29. Review status: criteria provided, single submitter. Criteria: Ambry Variant Classification Scheme 2023. Collection method: clinical testing. Allele origin: germline.

Genetic Services Laboratory, University of Chicago
Classification: Benign. Last evaluated: 2018-10-17. Review status: criteria provided, single submitter. Criteria: ACMG Guidelines, 2015. Collection method: clinical testing. Allele origin: germline. Affected: no.

GeneDx
Classification: Benign. Last evaluated: 2017-05-01. Review status: criteria provided, single submitter. Criteria: GeneDx Variant Classification (06012015). Collection method: clinical testing. Allele origin: germline. Affected: yes.
Comment: This variant is considered likely benign or benign based on one or more of the following criteria: it is a conservative change, it occurs at a poorly conserved position in the protein, it is predicted to be benign by multiple in silico algorithms, and/or has population frequency not consistent with disease.

Laboratory for Molecular Medicine, Mass General Brigham Personalized Medicine
Classification: Benign. Last evaluated: 2016-03-21. Review status: criteria provided, single submitter. Criteria: LMM Criteria. Collection method: clinical testing. Allele origin: germline. Observed: 1 variant allele.
Comment: p.Glu784Gly in exon 8 of ALMS1: This variant is not expected to have clinical significance because it has been identified in 3.17% (273/8622) of East Asian chromosomes by the Exome Aggregation Consortium (ExAC; dbSNP rs17848880).

Breakthrough Genomics
Classification: Likely benign. Review status: criteria provided, single submitter. Criteria: ACMG Guidelines, 2015. Collection method: not provided. Allele origin: germline. Inheritance: Autosomal recessive inheritance. Affected: yes.

Natera, Inc.
Classification: Benign for Alstrom syndrome. Last evaluated: 2020-09-16. Review status: no assertion criteria provided. Collection method: clinical testing. Allele origin: germline. Not counted in ClinVar's aggregate classification.

Clinical Genetics DNA and cytogenetics Diagnostics Lab, Erasmus MC, Erasmus Medical Center
Classification: Likely benign. Review status: no assertion criteria provided. Collection method: clinical testing. Allele origin: germline. Affected: yes. Study: VKGL Data-share Consensus. Not counted in ClinVar's aggregate classification.

Clinical Genetics, Academic Medical Center
Classification: Benign. Review status: no assertion criteria provided. Collection method: clinical testing. Allele origin: germline. Affected: yes. Study: VKGL Data-share Consensus. Not counted in ClinVar's aggregate classification.

Laboratory of Diagnostic Genome Analysis, Leiden University Medical Center (LUMC)
Classification: Likely benign. Review status: no assertion criteria provided. Collection method: clinical testing. Allele origin: germline. Affected: yes. Study: VKGL Data-share Consensus. Not counted in ClinVar's aggregate classification.